The following is an entry in ClinVar:

NM_014714.4(IFT140):c.3022G>A (p.Gly1008Arg)

Genes: IFT140 (intraflagellar transport 140; minus strand), LOC126862260 (CDK7 strongly-dependent group 2 enhancer GRCh37_chr16:1574508-1575707; plus strand). Cytogenetic location: 16p13.3.
Variant type: single nucleotide variant.
Coding change: c.3022G>A on transcript NM_014714.4 (MANE Select); coding-DNA position 3022, G replaced by A.
Protein change: p.Gly1008Arg; replaces glycine 1008 with arginine.
Molecular consequence: missense variant.
Genome position (GRCh38, 1-based): chr16:1,524,671, C>T on the plus strand (G>A on the coding strand, the complement: IFT140 is on the minus strand). VCF-style: chr16-1524671-C-T. GRCh37 (hg19) VCF-style: chr16-1574672-C-T.
Other names: short protein forms G1008R.
Identifiers: ClinVar variation 4745826 (VCV004745826.1).

ClinVar aggregate classification (germline): Uncertain significance (1 of 4 stars; one submission).

Conditions:
Saldino-Mainzer syndrome (SRTD9). Also called: CONORENAL SYNDROME; Renal dysplasia, retinal pigmentary dystrophy, cerebellar ataxia and skeletal dysplasia; SHORT-RIB THORACIC DYSPLASIA 9 WITHOUT POLYDACTYLY; short-rib thoracic dysplasia 9 with or without polydactyly. Identifiers: Orphanet 140969, MedGen C1849437, MONDO:0009964, OMIM 266920.

Submission:

Labcorp Genetics (formerly Invitae), Labcorp
Classification: Uncertain significance for Saldino-Mainzer syndrome. Last evaluated: 2025-04-17. Review status: criteria provided, single submitter. Criteria: Invitae Variant Classification Sherloc (09022015). Collection method: clinical testing. Allele origin: germline.
Comment: This sequence change replaces glycine, which is neutral and non-polar, with arginine, which is basic and polar, at codon 1008 of the IFT140 protein (p.Gly1008Arg). This variant is present in population databases (no rsID available, gnomAD 0.003%). This variant has not been reported in the literature in individuals affected with IFT140-related conditions. Invitae Evidence Modeling of protein sequence and biophysical properties (such as structural, functional, and spatial information, amino acid conservation, physicochemical variation, residue mobility, and thermodynamic stability) has been performed for this missense variant. However, the output from this modeling did not meet the statistical confidence thresholds required to predict the impact of this variant on IFT140 protein function. In summary, the available evidence is currently insufficient to determine the role of this variant in disease. Therefore, it has been classified as a Variant of Uncertain Significance.